The following is an entry in ClinVar:

NM_175875.5(SIX5):c.1058C>T (p.Ala353Val)

Genes: SIX5 (SIX homeobox 5; minus strand), LOC107075317 (origin of replication in DMPK trinucleotide repeat region; plus strand). Cytogenetic location: 19q13.32.
Variant type: single nucleotide variant.
Coding change: c.1058C>T on transcript NM_175875.5 (MANE Select); coding-DNA position 1058, C replaced by T.
Protein change: p.Ala353Val; replaces alanine 353 with valine.
Molecular consequence: missense variant.
Genome position (GRCh38, 1-based): chr19:45,766,901, G>A on the plus strand (C>T on the coding strand, the complement: SIX5 is on the minus strand). VCF-style: chr19-45766901-G-A. GRCh37 (hg19) VCF-style: chr19-46270159-G-A.
Other names: short protein forms A353V.
Identifiers: ClinVar variation 2100302 (VCV002100302.4), dbSNP rs1380246964, ClinGen allele CA406419707.

ClinVar aggregate classification (germline): Uncertain significance (1 of 4 stars; one submission).

Allele frequency attached by ClinVar (database versions not stated): gnomAD 0.00001; TOPMed 0.00001.

Submission:

Labcorp Genetics (formerly Invitae), Labcorp
Classification: Uncertain significance. Last evaluated: 2022-07-26. Review status: criteria provided, single submitter. Criteria: Invitae Variant Classification Sherloc (09022015). Collection method: clinical testing. Allele origin: germline.
Comment: In summary, the available evidence is currently insufficient to determine the role of this variant in disease. Therefore, it has been classified as a Variant of Uncertain Significance. Algorithms developed to predict the effect of sequence changes on RNA splicing suggest that this variant may create or strengthen a splice site. Algorithms developed to predict the effect of missense changes on protein structure and function (SIFT, PolyPhen-2, Align-GVGD) all suggest that this variant is likely to be tolerated. This variant has not been reported in the literature in individuals affected with SIX5-related conditions. This variant is not present in population databases (gnomAD no frequency). This sequence change replaces alanine, which is neutral and non-polar, with valine, which is neutral and non-polar, at codon 353 of the SIX5 protein (p.Ala353Val).